The following is an entry in ClinVar:

ClinVar aggregate classification (germline): Pathogenic (1 of 4 stars; one submission).

Conditions:
Congenital adrenal hyperplasia due to cytochrome P450 oxidoreductase deficiency. Also called: DISORDERED STEROIDOGENESIS DUE TO POR DEFICIENCY. Identifiers: Orphanet 95699, MedGen C1860042, MONDO:0013310, OMIM 613571.

Submission:

Labcorp Genetics (formerly Invitae), Labcorp
Classification: Pathogenic for Congenital adrenal hyperplasia due to cytochrome P450 oxidoreductase deficiency. Last evaluated: 2024-01-28. Review status: criteria provided, single submitter. Criteria: Invitae Variant Classification Sherloc (09022015). Collection method: clinical testing. Allele origin: germline.
Comment: This sequence change affects an acceptor splice site in intron 14 of the POR gene. It is expected to disrupt RNA splicing. Variants that disrupt the donor or acceptor splice site typically lead to a loss of protein function (PMID: 16199547), and loss-of-function variants in POR are known to be pathogenic (PMID: 14758361, 20732302, 21741353). This variant is not present in population databases (gnomAD no frequency). Disruption of this splice site has been observed in individual(s) with clinical features of POR-related conditions (PMID: 32725309). Algorithms developed to predict the effect of sequence changes on RNA splicing suggest that this variant may disrupt the consensus splice site. For these reasons, this variant has been classified as Pathogenic.

Literature cited by the submitters: PubMed 16199547; PubMed 14758361; PubMed 20732302; PubMed 21741353; PubMed 32725309.

NM_001395413.1(POR):c.1807-1G>A

Gene: POR (cytochrome p450 oxidoreductase; plus strand). Cytogenetic location: 7q11.23.
Variant type: single nucleotide variant.
Coding change: c.1807-1G>A on transcript NM_001395413.1 (MANE Select); the canonical splice acceptor site of the intron before coding-DNA position 1807, G replaced by A.
Molecular consequence: splice acceptor variant.
Genome position (GRCh38, 1-based): chr7:75,986,158, G>A. VCF-style: chr7-75986158-G-A. GRCh37 (hg19) VCF-style: chr7-75615476-G-A.
Other names: c.1657-1G>A (NM_001382662.3); c.1807-1G>A (NM_001367562.3, NM_001382658.3, NM_001382659.3 and 1 more transcripts); c.1861-1G>A (NM_001382655.3).
Identifiers: ClinVar variation 2713901 (VCV002713901.3), dbSNP rs2535414492, ClinGen allele CA367750743.